The following is an entry in ClinVar:

ClinVar aggregate classification (germline): Likely pathogenic (1 of 4 stars; one submission).

Conditions:
Immunodeficiency-centromeric instability-facial anomalies syndrome 2 (ICF2). Identifiers: Orphanet 2268, MedGen C3279748, MONDO:0013553, OMIM 614069.

Allele frequency attached by ClinVar (database versions not stated): TOPMed 0.00002.
gnomAD v4.1: 4 of 1,613,806 alleles (0.00025%); highest among the groups gnomAD compares: Non-Finnish European, 0.00034%; no homozygotes.

Submission:

Labcorp Genetics (formerly Invitae), Labcorp
Classification: Likely pathogenic for Immunodeficiency-centromeric instability-facial anomalies syndrome 2. Last evaluated: 2025-11-28. Review status: criteria provided, single submitter. Criteria: Invitae Variant Classification Sherloc (09022015). Collection method: clinical testing. Allele origin: germline.
Comment: This sequence change affects a donor splice site in intron 4 of the ZBTB24 gene. It is expected to disrupt RNA splicing. Variants that disrupt the donor or acceptor splice site typically lead to a loss of protein function (PMID: 16199547), and loss-of-function variants in ZBTB24 are known to be pathogenic (PMID: 21596365). This variant is present in population databases (no rsID available, gnomAD 0.0009%). This variant has not been reported in the literature in individuals affected with ZBTB24-related conditions. ClinVar contains an entry for this variant (Variation ID: 2189491). Algorithms developed to predict the effect of sequence changes on RNA splicing suggest that this variant may disrupt the consensus splice site. In summary, the currently available evidence indicates that the variant is pathogenic, but additional data are needed to prove that conclusively. Therefore, this variant has been classified as Likely Pathogenic.

Literature cited by the submitters: PubMed 16199547; PubMed 21596365.

NM_014797.3(ZBTB24):c.1204+1G>C

Gene: ZBTB24 (zinc finger and BTB domain containing 24; minus strand). Cytogenetic location: 6q21.
Variant type: single nucleotide variant.
Coding change: c.1204+1G>C on transcript NM_014797.3 (MANE Select); the canonical splice donor site of the intron after coding-DNA position 1204, G replaced by C.
Molecular consequence: splice donor variant.
Genome position (GRCh38, 1-based): chr6:109,476,174, C>G on the plus strand (G>C on the coding strand, the complement: ZBTB24 is on the minus strand). VCF-style: chr6-109476174-C-G. GRCh37 (hg19) VCF-style: chr6-109797377-C-G.
Identifiers: ClinVar variation 2189491 (VCV002189491.4), dbSNP rs1175562986, ClinGen allele CA365203010.